The following is an entry in ClinVar:

NM_001875.5(CPS1):c.2544C>T (p.Ser848=)

Gene: CPS1 (carbamoyl-phosphate synthase 1; plus strand). Cytogenetic location: 2q34.
Variant type: single nucleotide variant.
Coding change: c.2544C>T on transcript NM_001875.5 (MANE Select); coding-DNA position 2544, C replaced by T.
Protein change: p.Ser848=; no amino-acid change (serine 848 retained).
Molecular consequence: synonymous variant. On other transcripts: non-coding transcript variant (2).
Genome position (GRCh38, 1-based): chr2:210,612,269, C>T. VCF-style: chr2-210612269-C-T. GRCh37 (hg19) VCF-style: chr2-211476993-C-T.
Other names: c.2544C>T, p.Ser848= (NM_001122633.3, NM_001369257.1); c.2577C>T, p.Ser859= (NM_001369256.1); c.2544C>T (LRG_336t1).
Identifiers: ClinVar variation 387992 (VCV000387992.12), dbSNP rs142818109, ClinGen allele CA2086662.

ClinVar aggregate classification (germline): Likely benign. Review status: criteria provided, multiple submitters, no conflicts (2 of 4 stars). 2 submissions from 2 submitters: Likely benign (2). Last evaluated 2026-01-14.

Conditions:
Congenital hyperammonemia, type I. Also called: Carbamoyl-phosphate synthase I deficiency; CPS I DEFICIENCY; Carbamoyl phosphate synthetase 1 deficiency; Hyperammonemia due to carbamoyl phosphate synthetase 1 deficiency; CPS 1 deficiency; Carbamyl phosphate synthetase (CPS) deficiency. Identifiers: Orphanet 147, MedGen C4082171, MONDO:0009376, OMIM 237300.

Allele frequency attached by ClinVar (database versions not stated): gnomAD 0.00006 and 0.00007; TOPMed 0.00006; ExAC 0.00010; gnomAD exomes 0.00014 and 0.00022; ESP Exome Variant Server 0.00015; 1000 Genomes Project 30x 0.00016; 1000 Genomes Project 0.00020.
gnomAD v4.1: 320 of 1,611,984 alleles (0.02%); highest among the groups gnomAD compares: Non-Finnish European, 0.026%; no homozygotes.

Submissions (2):

Labcorp Genetics (formerly Invitae), Labcorp
Classification: Likely benign for Congenital hyperammonemia, type I. Last evaluated: 2026-01-14. Review status: criteria provided, single submitter. Criteria: Invitae Variant Classification Sherloc (09022015). Collection method: clinical testing. Allele origin: germline.

GeneDx
Classification: Likely benign. Last evaluated: 2016-07-26. Review status: criteria provided, single submitter. Criteria: GeneDx Variant Classification (06012015). Collection method: clinical testing. Allele origin: germline. Affected: yes.
Comment: This variant is considered likely benign or benign based on one or more of the following criteria: it is a conservative change, it occurs at a poorly conserved position in the protein, it is predicted to be benign by multiple in silico algorithms, and/or has population frequency not consistent with disease.